The following is an entry in ClinVar:

NM_005993.5(TBCD):c.2902C>T (p.Arg968Cys)

Gene: TBCD (tubulin folding cofactor D). Cytogenetic location: 17q25.3.
Variant type: single nucleotide variant.
Coding change: c.2902C>T on transcript NM_005993.5 (MANE Select); coding-DNA position 2902, C replaced by T.
Protein change: p.Arg968Cys; replaces arginine 968 with cysteine.
Molecular consequence: missense variant.
Genome position (GRCh38, 1-based): chr17:82,929,411, C>T. VCF-style: chr17-82929411-C-T. GRCh37 (hg19) VCF-style: chr17-80887287-C-T.
Other names: short protein forms R968C.
Identifiers: ClinVar variation 713534 (VCV000713534.11), dbSNP rs181489692, ClinGen allele CA8863294.
Genomic context (GRCh38, chr17:82,929,411, plus strand): 5'-CTCTCTTGCAGGTCCGATGTGGCCTCCGTGAACTGGAGTGCACCTTCCCAGGCCTTCCCA[C>T]GCATCACCCAGCTCCTTGGGCTGCCCACCTACCGCTACCACGTCCTGCTGGGGCTAGTCG-3'
Protein context (NP_005984.3, residues 958-978): NWSAPSQAFP[Arg968Cys]ITQLLGLPTY

ClinVar aggregate classification (germline): Benign/Likely benign. Review status: criteria provided, multiple submitters, no conflicts (2 of 4 stars). 3 submissions from 3 submitters: Benign (2); Likely benign (1). Last evaluated 2026-01-22.

Conditions:
TBCD-related disorder. Also called: TBCD-related condition.

Allele frequency attached by ClinVar (database versions not stated): gnomAD exomes 0.00052 and 0.00170; gnomAD 0.00060 and 0.00076; TOPMed 0.00126; ExAC 0.00168; 1000 Genomes Project 0.00220; 1000 Genomes Project 30x 0.00265.

Submissions (3):

Labcorp Genetics (formerly Invitae), Labcorp
Classification: Benign. Last evaluated: 2026-01-22. Review status: criteria provided, single submitter. Criteria: Invitae Variant Classification Sherloc (09022015). Collection method: clinical testing. Allele origin: germline.

Blueprint Genetics
Classification: Likely benign. Last evaluated: 2024-10-08. Review status: criteria provided, single submitter. Criteria: ACMG Guidelines, 2015. Collection method: clinical testing. Allele origin: germline.

PreventionGenetics, part of Exact Sciences
Classification: Benign for TBCD-related condition. Last evaluated: 2024-10-07. Review status: criteria provided, single submitter. Criteria: ACMG Guidelines, 2015. Collection method: clinical testing. Allele origin: germline.
Comment: This variant is classified as benign based on ACMG/AMP sequence variant interpretation guidelines (Richards et al. 2015 PMID: 25741868, with internal and published modifications).